The following is an entry in ClinVar:

NM_172364.5(CACNA2D4):c.1973A>G (p.Glu658Gly)

Gene: CACNA2D4 (calcium voltage-gated channel auxiliary subunit alpha2delta 4; minus strand). Cytogenetic location: 12p13.33.
Variant type: single nucleotide variant.
Coding change: c.1973A>G on transcript NM_172364.5 (MANE Select); coding-DNA position 1973, A replaced by G.
Protein change: p.Glu658Gly; replaces glutamic acid 658 with glycine.
Molecular consequence: missense variant.
Genome position (GRCh38, 1-based): chr12:1,858,612, T>C on the plus strand (A>G on the coding strand, the complement: CACNA2D4 is on the minus strand). VCF-style: chr12-1858612-T-C. GRCh37 (hg19) VCF-style: chr12-1967778-T-C.
Other names: short protein forms E658G.
Identifiers: ClinVar variation 3136476 (VCV003136476.3), dbSNP rs967912918, ClinGen allele CA231535686.

ClinVar aggregate classification (germline): Uncertain significance. Review status: criteria provided, multiple submitters, no conflicts (2 of 4 stars). 2 submissions from 2 submitters: Uncertain significance (2). Last evaluated 2024-06-16.

Conditions:
Inborn genetic diseases. Identifiers: MedGen C0950123, MeSH D030342.

Allele frequency attached by ClinVar (database versions not stated): gnomAD exomes below 0.00001; TOPMed below 0.00001; gnomAD 0.00001.
gnomAD v4.1: 3 of 1,612,314 alleles (0.00019%); highest among the groups gnomAD compares: African/African-American, 0.004%; no homozygotes.

Submissions (2):

Labcorp Genetics (formerly Invitae), Labcorp
Classification: Uncertain significance. Last evaluated: 2024-06-16. Review status: criteria provided, single submitter. Criteria: Invitae Variant Classification Sherloc (09022015). Collection method: clinical testing. Allele origin: germline.
Comment: This sequence change replaces glutamic acid, which is acidic and polar, with glycine, which is neutral and non-polar, at codon 658 of the CACNA2D4 protein (p.Glu658Gly). This variant is not present in population databases (gnomAD no frequency). This variant has not been reported in the literature in individuals affected with CACNA2D4-related conditions. An algorithm developed to predict the effect of missense changes on protein structure and function (PolyPhen-2) suggests that this variant is likely to be tolerated. In summary, the available evidence is currently insufficient to determine the role of this variant in disease. Therefore, it has been classified as a Variant of Uncertain Significance.

Ambry Genetics
Classification: Uncertain significance for Inborn genetic diseases. Last evaluated: 2023-12-13. Review status: criteria provided, single submitter. Criteria: Ambry Variant Classification Scheme 2023. Collection method: clinical testing. Allele origin: germline.